The following is an entry in ClinVar:

ClinVar aggregate classification (germline): Uncertain significance (1 of 4 stars; one submission).

Submission:

Labcorp Genetics (formerly Invitae), Labcorp
Classification: Uncertain significance. Last evaluated: 2024-06-30. Review status: criteria provided, single submitter. Criteria: Invitae Variant Classification Sherloc (09022015). Collection method: clinical testing. Allele origin: germline.
Comment: This sequence change replaces threonine, which is neutral and polar, with serine, which is neutral and polar, at codon 59 of the COL2A1 protein (p.Thr59Ser). This variant is not present in population databases (gnomAD no frequency). This variant has not been reported in the literature in individuals affected with COL2A1-related conditions. Advanced modeling of protein sequence and biophysical properties (such as structural, functional, and spatial information, amino acid conservation, physicochemical variation, residue mobility, and thermodynamic stability) performed at Invitae indicates that this missense variant is not expected to disrupt COL2A1 protein function with a negative predictive value of 95%. In summary, the available evidence is currently insufficient to determine the role of this variant in disease. Therefore, it has been classified as a Variant of Uncertain Significance.

NM_001844.5(COL2A1):c.176C>G (p.Thr59Ser)

Gene: COL2A1 (collagen type II alpha 1 chain; minus strand). Cytogenetic location: 12q13.11.
Variant type: single nucleotide variant.
Coding change: c.176C>G on transcript NM_001844.5 (MANE Select); coding-DNA position 176, C replaced by G.
Protein change: p.Thr59Ser; replaces threonine 59 with serine.
Molecular consequence: missense variant. On other transcripts: intron variant (1).
Genome position (GRCh38, 1-based): chr12:48,000,035, G>C on the plus strand (C>G on the coding strand, the complement: COL2A1 is on the minus strand). VCF-style: chr12-48000035-G-C. GRCh37 (hg19) VCF-style: chr12-48393818-G-C.
Other names: c.86-1604C>G (NM_033150.3); short protein forms T59S.
Identifiers: ClinVar variation 3635076 (VCV003635076.2).